The following is an entry in ClinVar:

NC_000022.11:g.23786942G>T

Gene: SMARCB1 (SWI/SNF related BAF chromatin remodeling complex subunit B1; plus strand). Cytogenetic location: 22q11.23.
Variant type: single nucleotide variant.
Genome position: GRCh38 VCF-style: chr22-23786942-G-T. GRCh37 (hg19) VCF-style: chr22-24129129-G-T.
Identifiers: ClinVar variation 677083 (VCV000677083.11), dbSNP rs11704810, ClinGen allele CA322592236.

ClinVar aggregate classification (germline): Benign. Review status: criteria provided, multiple submitters, no conflicts (2 of 4 stars). 3 submissions from 3 submitters: Benign (3). Last evaluated 2026-01-26.

Allele frequency attached by ClinVar (database versions not stated): TOPMed 0.10214; gnomAD 0.11093; 1000 Genomes Project 0.10583; 1000 Genomes Project 30x 0.10275.

Submissions (3):

Labcorp Genetics (formerly Invitae), Labcorp
Classification: Benign. Last evaluated: 2026-01-26. Review status: criteria provided, single submitter. Criteria: Invitae Variant Classification Sherloc (09022015). Collection method: clinical testing. Allele origin: germline.

GeneDx
Classification: Benign. Last evaluated: 2018-06-20. Review status: criteria provided, single submitter. Criteria: GeneDx Variant Classification (06012015). Collection method: clinical testing. Allele origin: germline. Affected: yes.
Comment: This variant is considered likely benign or benign based on one or more of the following criteria: it is a conservative change, it occurs at a poorly conserved position in the protein, it is predicted to be benign by multiple in silico algorithms, and/or has population frequency not consistent with disease.

Breakthrough Genomics
Classification: Benign. Review status: criteria provided, single submitter. Criteria: ACMG Guidelines, 2015. Collection method: not provided. Allele origin: germline. Inheritance: Autosomal dominant inheritance. Affected: yes.